The following is an entry in ClinVar:

ClinVar aggregate classification (germline): Uncertain significance. Review status: criteria provided, multiple submitters, no conflicts (2 of 4 stars). 3 submissions from 3 submitters: Uncertain significance (3). Last evaluated 2023-12-04.

Conditions:
Familial cancer of breast. Also called: BREAST CANCER, FAMILIAL; Hereditary breast cancer; hereditary breast carcinoma. Identifiers: Orphanet 227535, MedGen C0346153, MONDO:0016419, OMIM 114480. Disease mechanism: loss of function.
Hereditary cancer-predisposing syndrome. Also called: Neoplastic Syndromes, Hereditary; Tumor predisposition; Hereditary neoplastic syndrome; Hereditary Cancer Syndrome. Identifiers: Orphanet 140162, MedGen C0027672, MeSH D009386, MONDO:0015356.

gnomAD v4.1: 1 of 1,612,874 alleles (0.000062%); highest among the groups gnomAD compares: Non-Finnish European, 0.000085%; no homozygotes.

Submissions (3):

Color Diagnostics, LLC DBA Color Health
Classification: Uncertain significance for Hereditary cancer-predisposing syndrome. Last evaluated: 2023-12-04. Review status: criteria provided, single submitter. Criteria: ACMG Guidelines, 2015. Collection method: clinical testing. Allele origin: germline.
Comment: This missense variant replaces glycine with aspartic acid at codon 527 of the BARD1 protein. Computational prediction suggests that this variant may have deleterious impact on protein structure and function (internally defined REVEL score threshold >= 0.7, PMID: 27666373). To our knowledge, functional studies have not been reported for this variant. This variant has not been reported in individuals affected with BARD1-related disorders in the literature. This variant has not been identified in the general population by the Genome Aggregation Database (gnomAD). The available evidence is insufficient to determine the role of this variant in disease conclusively. Therefore, this variant is classified as a Variant of Uncertain Significance.

Baylor Genetics
Classification: Uncertain significance for Familial cancer of breast. Last evaluated: 2023-11-13. Review status: criteria provided, single submitter. Criteria: ACMG Guidelines, 2015. Collection method: clinical testing. Allele origin: unknown.

Ambry Genetics
Classification: Uncertain significance for Hereditary cancer-predisposing syndrome. Last evaluated: 2018-02-28. Review status: criteria provided, single submitter. Criteria: Ambry Variant Classification Scheme 2023. Collection method: clinical testing. Allele origin: germline.
Comment: The p.G527D variant (also known as c.1580G>A), located in coding exon 7 of the BARD1 gene, results from a G to A substitution at nucleotide position 1580. The glycine at codon 527 is replaced by aspartic acid, an amino acid with similar properties. This amino acid position is highly conserved in available vertebrate species. In addition, this alteration is predicted to be deleterious by in silico analysis. Since supporting evidence is limited at this time, the clinical significance of this alteration remains unclear.

NM_000465.4(BARD1):c.1580G>A (p.Gly527Asp)

Gene: BARD1 (BRCA1 associated RING domain 1; minus strand). Cytogenetic location: 2q35.
Variant type: single nucleotide variant.
Coding change: c.1580G>A on transcript NM_000465.4 (MANE Select); coding-DNA position 1580, G replaced by A.
Protein change: p.Gly527Asp; replaces glycine 527 with aspartic acid.
Molecular consequence: missense variant. On other transcripts: non-coding transcript variant (3), intron variant (1).
Genome position (GRCh38, 1-based): chr2:214,752,544, C>T on the plus strand (G>A on the coding strand, the complement: BARD1 is on the minus strand). VCF-style: chr2-214752544-C-T. GRCh37 (hg19) VCF-style: chr2-215617268-C-T.
Other names: c.1523G>A, p.Gly508Asp (NM_001282543.2); c.227G>A, p.Gly76Asp (NM_001282545.2); c.170G>A, p.Gly57Asp (NM_001282548.2); c.365-22036G>A (NM_001282549.2); short protein forms G527D, G508D, G57D, G76D.
Identifiers: ClinVar variation 628778 (VCV000628778.10), dbSNP rs587781507, ClinGen allele CA350455031.